The following is an entry in ClinVar:

ClinVar aggregate classification (germline): Pathogenic (1 of 4 stars; one submission).

gnomAD v4.1: 3 of 1,612,778 alleles (0.00019%); highest among the groups gnomAD compares: Non-Finnish European, 0.00025%; no homozygotes.

Submission:

Labcorp Genetics (formerly Invitae), Labcorp
Classification: Pathogenic. Last evaluated: 2025-08-10. Review status: criteria provided, single submitter. Criteria: Invitae Variant Classification Sherloc (09022015). Collection method: clinical testing. Allele origin: germline.
Comment: This sequence change creates a premature translational stop signal (p.Trp139*) in the HPS4 gene. It is expected to result in an absent or disrupted protein product. Loss-of-function variants in HPS4 are known to be pathogenic (PMID: 12664304). This variant is not present in population databases (gnomAD no frequency). This premature translational stop signal has been observed in individual(s) with Hermansky-Pudlak syndrome (PMID: 30791930). ClinVar contains an entry for this variant (Variation ID: 3615051). For these reasons, this variant has been classified as Pathogenic.

Literature cited by the submitters: PubMed 12664304; PubMed 30791930.

NM_022081.6(HPS4):c.417G>A (p.Trp139Ter)

Gene: HPS4 (HPS4 biogenesis of lysosomal organelles complex 3 subunit 2; minus strand). Cytogenetic location: 22q12.1.
Variant type: single nucleotide variant.
Coding change: c.417G>A on transcript NM_022081.6 (MANE Select); coding-DNA position 417, G replaced by A.
Protein change: p.Trp139Ter; replaces tryptophan 139 with a stop codon.
Molecular consequence: nonsense. On other transcripts: non-coding transcript variant (8).
Genome position (GRCh38, 1-based): chr22:26,472,386, C>T on the plus strand (G>A on the coding strand, the complement: HPS4 is on the minus strand). VCF-style: chr22-26472386-C-T. GRCh37 (hg19) VCF-style: chr22-26868352-C-T.
Other names: c.417G>A, p.Trp139Ter (NM_001349896.1, NM_001349898.2, NM_001349899.2 and 7 more transcripts); c.402G>A, p.Trp134Ter (NM_152841.2); short protein forms W134*, W139*.
Identifiers: ClinVar variation 3615051 (VCV003615051.2).
Genomic context (GRCh38, chr22:26,472,386, plus strand): 5'-GGAATTGAAAATCTTATGCAGATCACTGGTGTTTTTCAGAATTTGCTCGATGAAGGTGTC[C>T]CACTCCGTGCTCAGTTCTTCCTGAGAACAGTTCTAAAACAGAAAGAGCCTCAGGTCAATA-3'